The following is an entry in ClinVar:

ClinVar aggregate classification (germline): Pathogenic. Review status: criteria provided, multiple submitters, no conflicts (2 of 4 stars). 3 submissions from 3 submitters: Pathogenic (3). Last evaluated 2024-01-22.

Conditions:
Familial cancer of breast. Also called: BREAST CANCER, FAMILIAL; hereditary breast carcinoma; Hereditary breast cancer. Identifiers: Orphanet 227535, MedGen C0346153, MONDO:0016419, OMIM 114480. Disease mechanism: loss of function.
Hereditary cancer-predisposing syndrome. Also called: Tumor predisposition; Hereditary neoplastic syndrome; Neoplastic Syndromes, Hereditary; Hereditary Cancer Syndrome. Identifiers: Orphanet 140162, MedGen C0027672, MeSH D009386, MONDO:0015356.
Ataxia-telangiectasia syndrome (AT). Also called: Ataxia-telangiectasia, complementation group D; Cerebello-oculocutaneous telangiectasia; Immunodeficiency with ataxia telangiectasia; LOUIS-BAR SYNDROME; Ataxia-telangiectasia; AT, COMPLEMENTATION GROUP C. Identifiers: Orphanet 100, MedGen C0004135, MONDO:0008840, OMIM 208900.

Submissions (3):

Myriad Genetics, Inc.
Classification: Pathogenic for Familial cancer of breast. Last evaluated: 2024-01-22. Review status: criteria provided, single submitter. Criteria: Myriad Autosomal Dominant, Autosomal Recessive and X-Linked Classification Criteria (2023). Collection method: clinical testing. Allele origin: unknown.
Comment: This variant is considered pathogenic. This variant creates a frameshift predicted to result in premature protein truncation.

Labcorp Genetics (formerly Invitae), Labcorp
Classification: Pathogenic for Ataxia-telangiectasia syndrome. Last evaluated: 2023-10-26. Review status: criteria provided, single submitter. Criteria: Invitae Variant Classification Sherloc (09022015). Collection method: clinical testing. Allele origin: germline.
Comment: This sequence change creates a premature translational stop signal (p.Leu1144Trpfs*12) in the ATM gene. It is expected to result in an absent or disrupted protein product. Loss-of-function variants in ATM are known to be pathogenic (PMID: 23807571, 25614872). This variant is not present in population databases (gnomAD no frequency). This variant has not been reported in the literature in individuals affected with ATM-related conditions. ClinVar contains an entry for this variant (Variation ID: 927525). Algorithms developed to predict the effect of sequence changes on RNA splicing suggest that this variant may disrupt the consensus splice site. For these reasons, this variant has been classified as Pathogenic.

Color Diagnostics, LLC DBA Color Health
Classification: Pathogenic for Hereditary cancer-predisposing syndrome. Last evaluated: 2019-11-18. Review status: criteria provided, single submitter. Criteria: ACMG Guidelines, 2015. Collection method: clinical testing. Allele origin: germline.
Comment: This variant deletes 1 nucleotide in exon 24 of the ATM gene, creating a frameshift and premature translation stop signal. This variant is expected to result in an absent or non-functional protein product. Splice site prediction tools suggest that this variant may not impact RNA splicing. To our knowledge, functional studies have not been performed for this variant. This variant has not been reported in individuals affected with hereditary cancer in the literature. This variant has not been identified in the general population by the Genome Aggregation Database (gnomAD). Loss of ATM function is a known mechanism of disease. Based on the available evidence, this variant is classified as Pathogenic.

Literature cited by the submitters: PubMed 23807571 (cited by Labcorp Genetics (formerly Invitae), Labcorp); PubMed 25614872 (cited by Labcorp Genetics (formerly Invitae), Labcorp).

NM_000051.4(ATM):c.3431del (p.Leu1144fs)

Gene: ATM (ATM serine/threonine kinase; plus strand). Cytogenetic location: 11q22.3.
Variant type: Deletion.
Coding change: c.3431del on transcript NM_000051.4 (MANE Select); coding-DNA position 3431, one base deleted (T; older notation c.3431delT).
Protein change: p.Leu1144fs; shifts the reading frame from leucine 1144.
Molecular consequence: frameshift variant.
Genome position (GRCh38, 1-based): chr11:108,281,023, T deleted; the last of 3 consecutive T bases (chr11:108,281,021-108,281,023); deleting any one gives the same sequence. VCF-style (leftmost placement, unchanged base first): chr11-108281020-CT-C. GRCh37 (hg19) VCF-style: chr11-108151747-CT-C.
Other names: c.3431del, p.Leu1144fs (NM_001351834.2); short protein forms L1144fs.
Identifiers: ClinVar variation 927525 (VCV000927525.7), dbSNP rs1555091158, ClinGen allele CA1139662224.